The following is an entry in ClinVar:

NM_145861.4(EDARADD):c.299_300insAAC (p.Cys100Ter)

Gene: EDARADD (EDAR associated via death domain; plus strand). Cytogenetic location: 1q43.
Variant type: Insertion.
Coding change: c.299_300insAAC on transcript NM_145861.4 (MANE Select); coding-DNA positions 299 to 300, AAC inserted.
Protein change: p.Cys100Ter; replaces cysteine 100 with a stop codon.
Molecular consequence: nonsense. On other transcripts: inframe indel (2).
Genome position: GRCh38 VCF-style: chr1-236482300-G-GAAC. GRCh37 (hg19) VCF-style: chr1-236645600-G-GAAC.
Other names: c.233_234insAAC, p.Cys78_Phe193del (NM_001422628.1); c.269_270insAAC, p.Cys90_Phe205del (NM_080738.5); short protein forms C100*, C90*.
Identifiers: ClinVar variation 208574 (VCV000208574.4), dbSNP rs797045087, ClinGen allele CA204556.

ClinVar aggregate classification (germline): Uncertain significance (1 of 4 stars; one submission).

Submission:

Laboratory for Molecular Medicine, Mass General Brigham Personalized Medicine
Classification: Uncertain significance. Last evaluated: 2015-01-13. Review status: criteria provided, single submitter. Criteria: LMM Criteria. Collection method: clinical testing. Allele origin: germline. Observed: 1 variant allele. Study: CSER-MedSeq.
Comment: The p.Cys100X variant in EDARADD has not been previously reported in individuals with disease and data from large population studies is insufficient to assess the frequency of the variant. This variant is an insertion of 3 bases at position c.299 and is expected to impact the protein by introducing a premature termination codon at position 100. This alteration occurs within the last exon and is more likely to escape nonsense mediated decay (NMD) and result in a truncated protein. Truncating and loss-of-function variants have not been established as a mechanism of disease in EDARADD. In summary, while there is some suspicion for a pathogenic role, the clinical significance of the p.Cys100X variant is uncertain.